The following is an entry in ClinVar:

ClinVar aggregate classification (germline): Uncertain significance (1 of 4 stars; one submission).

Submission:

GeneDx
Classification: Uncertain significance. Last evaluated: 2026-04-09. Review status: criteria provided, single submitter. Criteria: GeneDx Variant Classification Process June 2021. Collection method: clinical testing. Allele origin: germline.
Comment: Not observed at significant frequency in large population cohorts (gnomAD); In silico analysis does not support a benign or deleterious effect of this variant on protein structure/function; Has not been previously published as pathogenic or benign to our knowledge

NM_019066.5(MAGEL2):c.3241G>A (p.Asp1081Asn)

Gene: MAGEL2 (MAGE family member L2; minus strand). Cytogenetic location: 15q11.2.
Variant type: single nucleotide variant.
Coding change: c.3241G>A on transcript NM_019066.5 (MANE Select); coding-DNA position 3241, G replaced by A.
Protein change: p.Asp1081Asn; replaces aspartic acid 1081 with asparagine.
Molecular consequence: missense variant.
Genome position (GRCh38, 1-based): chr15:23,644,502, C>T on the plus strand (G>A on the coding strand, the complement: MAGEL2 is on the minus strand). VCF-style: chr15-23644502-C-T. GRCh37 (hg19) VCF-style: chr15-23889649-C-T.
Other names: short protein forms D1081N.
Identifiers: ClinVar variation 5018253 (VCV005018253.1).